The following is an entry in ClinVar:

NM_031844.3(HNRNPU):c.1614+2T>A

Gene: HNRNPU (heterogeneous nuclear ribonucleoprotein U; minus strand). Cytogenetic location: 1q44.
Variant type: single nucleotide variant.
Coding change: c.1614+2T>A on transcript NM_031844.3 (MANE Select); the canonical splice donor site of the intron after coding-DNA position 1614, T replaced by A.
Molecular consequence: splice donor variant.
Genome position (GRCh38, 1-based): chr1:244,857,596, A>T on the plus strand (T>A on the coding strand, the complement: HNRNPU is on the minus strand). VCF-style: chr1-244857596-A-T. GRCh37 (hg19) VCF-style: chr1-245020898-A-T.
Other names: c.1557+2T>A (NM_004501.3).
Identifiers: ClinVar variation 3024530 (VCV003024530.2), dbSNP rs2527508187, ClinGen allele CA345490539.
Genomic context (GRCh38, chr1:244,857,596, plus strand): 5'-CATGCCCAGCCTCTCCCAGTCTATTTTAAACACTGAGATCAGGCCCTAAACATTTTACTT[A>T]CCATCATCTTATCCATAATAGTATTTGTGCCAAGAATGTTATATTTCCCTGGATTTTCTG-3'

ClinVar aggregate classification (germline): Uncertain significance (1 of 4 stars; one submission).

Conditions:
Developmental and epileptic encephalopathy, 54. Also called: Epileptic encephalopathy, early infantile, 54; HNRNPU-Related Neurodevelopmental Disorder. Identifiers: MedGen C4479319, MONDO:0033363, OMIM 617391.

Submission:

Institute of Human Genetics, University of Leipzig Medical Center
Classification: Uncertain significance for Developmental and epileptic encephalopathy, 54. Last evaluated: 2024-03-01. Review status: criteria provided, single submitter. Criteria: ACMG Guidelines, 2015. Collection method: clinical testing. Allele origin: unknown. Affected: yes.
Comment: Criteria applied: PVS1_MOD,PM1_SUP,PM2_SUP